The following is an entry in ClinVar:

NM_000147.5(FUCA1):c.861C>T (p.Ser287=)

Gene: FUCA1 (alpha-L-fucosidase 1; minus strand). Cytogenetic location: 1p36.11.
Variant type: single nucleotide variant.
Coding change: c.861C>T on transcript NM_000147.5 (MANE Select); coding-DNA position 861, C replaced by T.
Protein change: p.Ser287=; no amino-acid change (serine 287 retained).
Molecular consequence: synonymous variant.
Genome position (GRCh38, 1-based): chr1:23,854,468, G>A on the plus strand (C>T on the coding strand, the complement: FUCA1 is on the minus strand). VCF-style: chr1-23854468-G-A. GRCh37 (hg19) VCF-style: chr1-24180958-G-A.
Identifiers: ClinVar variation 772101 (VCV000772101.34), dbSNP rs200962094, ClinGen allele CA686439.
Genomic context (GRCh38, chr1:23,854,468, plus strand): 5'-ACGATAGCCCCAGGAAAACTTGTCAATGCTGGTGCACATCTCCCACTTGTGATCTGGCAA[G>A]CTCTGTGGCTTGAATTTATCTTCACAGTTATAGTATCCTCCATGGTGACAGGAACAGTTC-3'
Protein context (NP_000138.2, residues 277-297): YNCEDKFKPQ[Ser287=]LPDHKWEMCT

ClinVar aggregate classification (germline): Likely benign. Review status: criteria provided, multiple submitters, no conflicts (2 of 4 stars). 4 submissions from 4 submitters: Likely benign (4). Last evaluated 2026-01-12.

Conditions:
Fucosidosis. Also called: ALPHA-L-FUCOSIDASE DEFICIENCY. Identifiers: Orphanet 349, MedGen C0016788, MONDO:0009254, OMIM 230000.

Allele frequency attached by ClinVar (database versions not stated): TOPMed 0.00004; gnomAD 0.00005 and 0.00006; gnomAD exomes 0.00005; ExAC 0.00007; 1000 Genomes Project 0.00020; 1000 Genomes Project 30x 0.00031.
gnomAD v4.1: 89 of 1,614,044 alleles (0.0055%); highest among the groups gnomAD compares: Middle Eastern, 0.4%; no homozygotes.

Submissions (4):

Labcorp Genetics (formerly Invitae), Labcorp
Classification: Likely benign for Fucosidosis. Last evaluated: 2026-01-12. Review status: criteria provided, single submitter. Criteria: Invitae Variant Classification Sherloc (09022015). Collection method: clinical testing. Allele origin: germline.

Blueprint Genetics
Classification: Likely benign. Last evaluated: 2024-11-08. Review status: criteria provided, single submitter. Criteria: ACMG Guidelines, 2015. Collection method: clinical testing. Allele origin: germline.

CeGaT Center for Human Genetics Tuebingen
Classification: Likely benign. Last evaluated: 2022-05-01. Review status: criteria provided, single submitter. Criteria: CeGaT Center For Human Genetics Tuebingen Variant Classification Criteria Version 2. Collection method: clinical testing. Allele origin: germline. Affected: yes. Observed: 1 variant allele.
Comment: FUCA1: BP4, BP7

Breakthrough Genomics
Classification: Likely benign. Review status: criteria provided, single submitter. Criteria: ACMG Guidelines, 2015. Collection method: not provided. Allele origin: germline. Inheritance: Autosomal recessive inheritance. Affected: yes.